The following is an entry in ClinVar:

NM_000186.4(CFH):c.2057-12A>T

Gene: CFH (complement factor H; plus strand). Cytogenetic location: 1q31.3.
Variant type: single nucleotide variant.
Coding change: c.2057-12A>T on transcript NM_000186.4 (MANE Select); 12 bases into the intron before coding-DNA position 2057, A replaced by T.
Molecular consequence: intron variant.
Genome position (GRCh38, 1-based): chr1:196,726,749, A>T. VCF-style: chr1-196726749-A-T. GRCh37 (hg19) VCF-style: chr1-196695879-A-T.
Identifiers: ClinVar variation 3366519 (VCV003366519.1).

ClinVar aggregate classification (germline): Likely benign (1 of 4 stars; one submission).

Submission:

Women's Health and Genetics/Laboratory Corporation of America, LabCorp
Classification: Likely benign. Last evaluated: 2024-08-02. Review status: criteria provided, single submitter. Criteria: LabCorp Variant Classification Summary - May 2015. Collection method: clinical testing. Allele origin: germline.
Comment: Variant summary: CFH c.2057-12A>T alters a non-conserved nucleotide located at a position not widely known to affect splicing. The variant was absent in 250974 control chromosomes. The available data on variant occurrences in the general population are insufficient to allow any conclusion about variant significance. To our knowledge, no occurrence of c.2057-12A>T in individuals affected with CFH-Related Disorders and no experimental evidence demonstrating its impact on protein function have been reported. No submitters have cited clinical-significance assessments for this variant to ClinVar. Based on the evidence outlined above, the variant was classified as likely benign.